The following is an entry in ClinVar:

ClinVar aggregate classification (germline): Uncertain significance (1 of 4 stars; one submission).

Submission:

Labcorp Genetics (formerly Invitae), Labcorp
Classification: Uncertain significance. Last evaluated: 2025-06-09. Review status: criteria provided, single submitter. Criteria: Invitae Variant Classification Sherloc (09022015). Collection method: clinical testing. Allele origin: germline.
Comment: This sequence change replaces proline, which is neutral and non-polar, with alanine, which is neutral and non-polar, at codon 361 of the HPS6 protein (p.Pro361Ala). This variant is present in population databases (no rsID available, gnomAD 0.008%). This variant has not been reported in the literature in individuals affected with HPS6-related conditions. ClinVar contains an entry for this variant (Variation ID: 3717891). Invitae Evidence Modeling of protein sequence and biophysical properties (such as structural, functional, and spatial information, amino acid conservation, physicochemical variation, residue mobility, and thermodynamic stability) indicates that this missense variant is not expected to disrupt HPS6 protein function with a negative predictive value of 80%. In summary, the available evidence is currently insufficient to determine the role of this variant in disease. Therefore, it has been classified as a Variant of Uncertain Significance.

NM_024747.6(HPS6):c.1081C>G (p.Pro361Ala)

Gene: HPS6 (HPS6 biogenesis of lysosomal organelles complex 2 subunit 3; plus strand). Cytogenetic location: 10q24.32.
Variant type: single nucleotide variant.
Coding change: c.1081C>G on transcript NM_024747.6 (MANE Select); coding-DNA position 1081, C replaced by G.
Protein change: p.Pro361Ala; replaces proline 361 with alanine.
Molecular consequence: missense variant.
Genome position (GRCh38, 1-based): chr10:102,066,555, C>G. VCF-style: chr10-102066555-C-G. GRCh37 (hg19) VCF-style: chr10-103826312-C-G.
Other names: short protein forms P361A.
Identifiers: ClinVar variation 3717891 (VCV003717891.2).
Genomic context (GRCh38, chr10:102,066,555, plus strand): 5'-CAGCTGCTGGAGAGGAAGGTCCTAAGTACAGACAGGGTACATCTGCTAGAACCGCCAGCC[C>G]CCGGCATGGAGGATGAGGAAGAGCTGGAGACCCGAGGGAATCTTCGTCTGCTTTCAGCCT-3'
Protein context (NP_079023.2, residues 351-371): DRVHLLEPPA[Pro361Ala]GMEDEEELET